The following is an entry in ClinVar:

NM_003476.5(CSRP3):c.255C>T (p.Gly85=)

Gene: CSRP3 (cysteine and glycine rich protein 3; minus strand). Cytogenetic location: 11p15.1.
Variant type: single nucleotide variant.
Coding change: c.255C>T on transcript NM_003476.5 (MANE Select); coding-DNA position 255, C replaced by T.
Protein change: p.Gly85=; no amino-acid change (glycine 85 retained).
Molecular consequence: synonymous variant. On other transcripts: intron variant (1).
Genome position (GRCh38, 1-based): chr11:19,188,162, G>A on the plus strand (C>T on the coding strand, the complement: CSRP3 is on the minus strand). VCF-style: chr11-19188162-G-A. GRCh37 (hg19) VCF-style: chr11-19209709-G-A.
Other names: c.255C>T (LRG_440t1); c.113-1814C>T (NM_001369404.1).
Identifiers: ClinVar variation 520272 (VCV000520272.13), dbSNP rs752338221, ClinGen allele CA5916608.
Genomic context (GRCh38, chr11:19,188,162, plus strand): 5'-TTAACAGGCAAGGGGGAGCAGGGCAGTAACTCACTGTTGGAACTGCAGGCCGAGATGCTC[G>A]CCCGTGTCTGTGCTGAGACAGCCAGCGCCTTGTCCATACCCGATCCCTTTGGGGCCATAT-3'
Protein context (NP_003467.1, residues 75-95): QGAGCLSTDT[Gly85=]EHLGLQFQQS

ClinVar aggregate classification (germline): Uncertain significance. Review status: criteria provided, multiple submitters, no conflicts (2 of 4 stars). 4 submissions from 4 submitters: Uncertain significance (4). Last evaluated 2025-11-28.

Conditions:
Hypertrophic cardiomyopathy 12. Identifiers: MedGen C2677491, MONDO:0012804, OMIM 612124.
Dilated cardiomyopathy 1M (CMD1M). Identifiers: Orphanet 154, MedGen C1843808, MONDO:0011840, OMIM 607482.
Cardiovascular phenotype. Identifiers: MedGen CN230736.

Allele frequency attached by ClinVar (database versions not stated): gnomAD 0.00001; TOPMed 0.00002; gnomAD exomes 0.00001; ExAC 0.00002.
gnomAD v4.1: 11 of 1,614,008 alleles (0.00068%); highest among the groups gnomAD compares: East Asian, 0.0089%; no homozygotes.

Submissions (4):

Labcorp Genetics (formerly Invitae), Labcorp
Classification: Uncertain significance for Hypertrophic cardiomyopathy 12; Dilated cardiomyopathy 1M. Last evaluated: 2025-11-28. Review status: criteria provided, single submitter. Criteria: Invitae Variant Classification Sherloc (09022015). Collection method: clinical testing. Allele origin: germline.
Comment: This sequence change affects codon 85 of the CSRP3 mRNA. It is a 'silent' change, meaning that it does not change the encoded amino acid sequence of the CSRP3 protein. This variant is present in population databases (rs752338221, gnomAD 0.01%). This variant has not been reported in the literature in individuals affected with CSRP3-related conditions. ClinVar contains an entry for this variant (Variation ID: 520272). Algorithms developed to predict the effect of sequence changes on RNA splicing suggest that this variant may disrupt the consensus splice site. In summary, the available evidence is currently insufficient to determine the role of this variant in disease. Therefore, it has been classified as a Variant of Uncertain Significance.

Women's Health and Genetics/Laboratory Corporation of America, LabCorp
Classification: Uncertain significance. Last evaluated: 2023-07-31. Review status: criteria provided, single submitter. Criteria: LabCorp Variant Classification Summary - May 2015. Collection method: clinical testing. Allele origin: germline.
Comment: Variant summary: CSRP3 c.255C>T alters a non-conserved nucleotide resulting in a synonymous change. Several computational tools predict a significant impact on normal splicing: Four predict the variant creates a cryptic 5' splicing donor site, and one predicts it weakens the canonical 5' donor site. However, these predictions have yet to be confirmed by functional studies. The variant allele was found at a frequency of 1.2e-05 in 251142 control chromosomes (gnomAD). The available data on variant occurrences in the general population are insufficient to allow any conclusion about variant significance. To our knowledge, no occurrence of c.255C>T in individuals affected with Cardiomyopathy and no experimental evidence demonstrating its impact on protein function have been reported. Three submitters have cited clinical-significance assessments for this variant to ClinVar after 2014. All submitters classified the variant as uncertain significance. Based on the evidence outlined above, the variant was classified as uncertain significance.

Ambry Genetics
Classification: Uncertain significance for Cardiovascular phenotype. Last evaluated: 2020-01-02. Review status: criteria provided, single submitter. Criteria: Ambry Variant Classification Scheme 2023. Collection method: clinical testing. Allele origin: germline.
Comment: The c.255C>T variant (also known as p.G85G), located in coding exon 2, results from a C to T substitution at nucleotide position 255 of the CSRP3 gene. This nucleotide substitution does not change the amino acid at codon 85. Based on nucleotide sequence alignment, this position is not well conserved in available vertebrate species. Using the BDGP and ESEfinder splice site prediction tools, this alteration is predicted to create a new alternate splice donor site; however, direct evidence is unavailable. Since supporting evidence is limited at this time, the clinical significance of this alteration remains unclear.

Stanford Center for Inherited Cardiovascular Disease, Stanford University
Classification: Uncertain significance. Last evaluated: 2016-12-16. Review status: criteria provided, single submitter. Criteria: ACMG Guidelines, 2015. Collection method: provider interpretation. Allele origin: germline.